The following is an entry in ClinVar:

ClinVar aggregate classification (germline): Uncertain significance (1 of 4 stars; one submission).

Conditions:
Familial hypocalciuric hypercalcemia (FHH). Also called: Familial benign hypercalcemia. Identifiers: Orphanet 405, MedGen C1809471, MONDO:0018458.
Autosomal dominant hypocalcemia 1 (HYPOC1). Also called: HYPOCALCEMIA, FAMILIAL. Identifiers: MedGen C3715128, MONDO:0011013, OMIM 601198.

Submission:

Labcorp Genetics (formerly Invitae), Labcorp
Classification: Uncertain significance for Familial hypocalciuric hypercalcemia; Autosomal dominant hypocalcemia 1. Last evaluated: 2025-11-03. Review status: criteria provided, single submitter. Criteria: Invitae Variant Classification Sherloc (09022015). Collection method: clinical testing. Allele origin: germline.
Comment: This sequence change creates a premature translational stop signal (p.Ser900Glnfs*81) in the CASR gene. While this is not anticipated to result in nonsense mediated decay, it is expected to disrupt the last 179 amino acid(s) of the CASR protein. This variant is not present in population databases (gnomAD no frequency). This variant has not been reported in the literature in individuals affected with CASR-related conditions. In summary, the available evidence is currently insufficient to determine the role of this variant in disease. Therefore, it has been classified as a Variant of Uncertain Significance.

NM_000388.4(CASR):c.2697dup (p.Ser900fs)

Gene: CASR (calcium sensing receptor; plus strand). Cytogenetic location: 3q21.1.
Variant type: Duplication.
Coding change: c.2697dup on transcript NM_000388.4 (MANE Select); coding-DNA position 2697, one base duplicated (C; older notation c.2697dupC).
Protein change: p.Ser900fs; shifts the reading frame from serine 900.
Molecular consequence: frameshift variant.
Genome position (GRCh38, 1-based): chr3:122,284,651, C duplicated; the last of 2 consecutive C bases (chr3:122,284,650-122,284,651); duplicating either gives the same sequence. VCF-style (leftmost placement, unchanged base first): chr3-122284649-T-TC. GRCh37 (hg19) VCF-style: chr3-122003496-T-TC.
Other names: c.2727dup, p.Ser910fs (NM_001178065.2); short protein forms S910fs, S900fs.
Identifiers: ClinVar variation 4786381 (VCV004786381.1).
Genomic context (GRCh38, chr3:122,284,649, plus strand): 5'-CACGCTTTCAAGGTGGCTGCCCGGGCCACGCTGCGCCGCAGCAACGTCTCCCGCAAGCGG[T>TC]CCAGCAGCCTTGGAGGCTCCACGGGATCCACCCCCTCCTCCTCCATCAGCAGCAAGAGCA-3'